The following is an entry in ClinVar:

ClinVar aggregate classification (germline): Uncertain significance (1 of 4 stars; one submission).

gnomAD v4.1: 2 of 1,537,718 alleles (0.00013%); highest among the groups gnomAD compares: Non-Finnish European, 0.00018%; no homozygotes.

Submission:

Labcorp Genetics (formerly Invitae), Labcorp
Classification: Uncertain significance. Last evaluated: 2025-09-02. Review status: criteria provided, single submitter. Criteria: Invitae Variant Classification Sherloc (09022015). Collection method: clinical testing. Allele origin: germline.
Comment: This sequence change replaces valine, which is neutral and non-polar, with alanine, which is neutral and non-polar, at codon 18 of the ROR2 protein (p.Val18Ala). This variant is not present in population databases (gnomAD no frequency). This variant has not been reported in the literature in individuals affected with ROR2-related conditions. Invitae Evidence Modeling of protein sequence and biophysical properties (such as structural, functional, and spatial information, amino acid conservation, physicochemical variation, residue mobility, and thermodynamic stability) indicates that this missense variant is not expected to disrupt ROR2 protein function with a negative predictive value of 95%. In summary, the available evidence is currently insufficient to determine the role of this variant in disease. Therefore, it has been classified as a Variant of Uncertain Significance.

NM_004560.4(ROR2):c.53T>C (p.Val18Ala)

Gene: ROR2 (receptor tyrosine kinase like orphan receptor 2; minus strand). Cytogenetic location: 9q22.31.
Variant type: single nucleotide variant.
Coding change: c.53T>C on transcript NM_004560.4 (MANE Select); coding-DNA position 53, T replaced by C.
Protein change: p.Val18Ala; replaces valine 18 with alanine.
Molecular consequence: missense variant.
Genome position (GRCh38, 1-based): chr9:91,949,911, A>G on the plus strand (T>C on the coding strand, the complement: ROR2 is on the minus strand). VCF-style: chr9-91949911-A-G. GRCh37 (hg19) VCF-style: chr9-94712193-A-G.
Other names: c.53T>C, p.Val18Ala (NM_001318204.2); short protein forms V18A.
Identifiers: ClinVar variation 4801786 (VCV004801786.1).